The following is an entry in ClinVar:

NM_001322934.2(NFKB2):c.1369A>G (p.Ser457Gly)

Gene: NFKB2 (nuclear factor kappa B subunit 2; plus strand). Cytogenetic location: 10q24.32.
Variant type: single nucleotide variant.
Coding change: c.1369A>G on transcript NM_001322934.2 (MANE Select); coding-DNA position 1369, A replaced by G.
Protein change: p.Ser457Gly; replaces serine 457 with glycine.
Molecular consequence: missense variant.
Genome position (GRCh38, 1-based): chr10:102,399,618, A>G. VCF-style: chr10-102399618-A-G. GRCh37 (hg19) VCF-style: chr10-104159375-A-G.
Other names: c.1369A>G, p.Ser457Gly (NM_001077494.3, NM_001261403.3, NM_001288724.1 and 1 more transcripts); c.1243A>G, p.Ser415Gly (NM_001322935.1); short protein forms S415G, S457G.
Identifiers: ClinVar variation 1394760 (VCV001394760.8), dbSNP rs1589865861, ClinGen allele CA377899474.

ClinVar aggregate classification (germline): Uncertain significance (1 of 4 stars; one submission).

Conditions:
Immunodeficiency, common variable, 10. Also called: IMMUNODEFICIENCY, COMMON VARIABLE, WITH CENTRAL ADRENAL INSUFFICIENCY; DEFICIT IN ANTERIOR PITUITARY FUNCTION AND VARIABLE IMMUNODEFICIENCY. Identifiers: MedGen C3809991, MONDO:0014260, OMIM 615577.

Submission:

Labcorp Genetics (formerly Invitae), Labcorp
Classification: Uncertain significance for Immunodeficiency, common variable, 10. Last evaluated: 2022-12-06. Review status: criteria provided, single submitter. Criteria: Invitae Variant Classification Sherloc (09022015). Collection method: clinical testing. Allele origin: germline.
Comment: This variant is not present in population databases (gnomAD no frequency). In summary, the available evidence is currently insufficient to determine the role of this variant in disease. Therefore, it has been classified as a Variant of Uncertain Significance. Algorithms developed to predict the effect of missense changes on protein structure and function are either unavailable or do not agree on the potential impact of this missense change (SIFT: "Deleterious"; PolyPhen-2: "Benign"; Align-GVGD: "Class C0"). ClinVar contains an entry for this variant (Variation ID: 1394760). This variant has not been reported in the literature in individuals affected with NFKB2-related conditions. This sequence change replaces serine, which is neutral and polar, with glycine, which is neutral and non-polar, at codon 457 of the NFKB2 protein (p.Ser457Gly).